The following is an entry in ClinVar:

NM_052867.4(NALCN):c.2729G>A (p.Arg910Gln)

Gene: NALCN (sodium leak channel, non-selective; minus strand). Cytogenetic location: 13q33.1.
Variant type: single nucleotide variant.
Coding change: c.2729G>A on transcript NM_052867.4 (MANE Select); coding-DNA position 2729, G replaced by A.
Protein change: p.Arg910Gln; replaces arginine 910 with glutamine.
Molecular consequence: missense variant.
Genome position (GRCh38, 1-based): chr13:101,104,558, C>T on the plus strand (G>A on the coding strand, the complement: NALCN is on the minus strand). VCF-style: chr13-101104558-C-T. GRCh37 (hg19) VCF-style: chr13-101756909-C-T.
Other names: c.2816G>A, p.Arg939Gln (NM_001350748.2); c.2729G>A, p.Arg910Gln (NM_001350749.2); c.2642G>A, p.Arg881Gln (NM_001350750.2, NM_001350751.2); short protein forms R910Q, R881Q, R939Q.
Identifiers: ClinVar variation 2229521 (VCV002229521.2), dbSNP rs932887695, ClinGen allele CA255395461.

ClinVar aggregate classification (germline): Uncertain significance (1 of 4 stars; one submission).

Conditions:
Inborn genetic diseases. Identifiers: MedGen C0950123, MeSH D030342.

Allele frequency attached by ClinVar (database versions not stated): gnomAD 0.00001; gnomAD exomes 0.00001; TOPMed 0.00001.
gnomAD v4.1: 15 of 1,613,834 alleles (0.00093%); highest among the groups gnomAD compares: Admixed American, 0.0017%; no homozygotes.

Submission:

Ambry Genetics
Classification: Uncertain significance for Inborn genetic diseases. Last evaluated: 2021-03-16. Review status: criteria provided, single submitter. Criteria: Ambry Variant Classification Scheme 2023. Collection method: clinical testing. Allele origin: germline.
Comment: The c.2729G>A (p.R910Q) alteration is located in exon 24 (coding exon 23) of the NALCN gene. This alteration results from a G to A substitution at nucleotide position 2729, causing the arginine (R) at amino acid position 910 to be replaced by a glutamine (Q). The p.R910Q alteration is predicted to be tolerated by in silico analysis. Based on insufficient or conflicting evidence, the clinical significance of this alteration remains unclear.